The following is an entry in ClinVar:

NM_001370466.1(NOD2):c.1339C>A (p.Gln447Lys)

Gene: NOD2 (nucleotide binding oligomerization domain containing 2; plus strand). Cytogenetic location: 16q12.1.
Variant type: single nucleotide variant.
Coding change: c.1339C>A on transcript NM_001370466.1 (MANE Select); coding-DNA position 1339, C replaced by A.
Protein change: p.Gln447Lys; replaces glutamine 447 with lysine.
Molecular consequence: missense variant. On other transcripts: non-coding transcript variant (1).
Genome position (GRCh38, 1-based): chr16:50,711,331, C>A. VCF-style: chr16-50711331-C-A. GRCh37 (hg19) VCF-style: chr16-50745242-C-A.
Other names: c.1339C>A, p.Gln447Lys (NM_001293557.2); c.1420C>A, p.Gln474Lys (NM_022162.3); short protein forms Q447K, Q474K.
Identifiers: ClinVar variation 2193820 (VCV002193820.4), dbSNP rs1434117118, ClinGen allele CA395868882.

ClinVar aggregate classification (germline): Uncertain significance (1 of 4 stars; one submission).

Conditions:
Regional enteritis. Also called: Enteritis, Granulomatous. Identifiers: MedGen C0678202, MeSH D003424.
Blau syndrome (BLAUS). Also called: GRANULOMATOSIS, FAMILIAL JUVENILE SYSTEMIC; GRANULOMATOSIS, FAMILIAL, BLAU TYPE; GRANULOMATOUS INFLAMMATORY ARTHRITIS, DERMATITIS, AND UVEITIS, FAMILIAL; JABS SYNDROME; ARTHROCUTANEOUVEAL GRANULOMATOSIS. Identifiers: Orphanet 90340, MedGen C5201146, MONDO:0008523, OMIM 186580.

Submission:

Labcorp Genetics (formerly Invitae), Labcorp
Classification: Uncertain significance for Regional enteritis; Blau syndrome. Last evaluated: 2022-09-13. Review status: criteria provided, single submitter. Criteria: Invitae Variant Classification Sherloc (09022015). Collection method: clinical testing. Allele origin: germline.
Comment: In summary, the available evidence is currently insufficient to determine the role of this variant in disease. Therefore, it has been classified as a Variant of Uncertain Significance. Advanced modeling of protein sequence and biophysical properties (such as structural, functional, and spatial information, amino acid conservation, physicochemical variation, residue mobility, and thermodynamic stability) performed at Invitae indicates that this missense variant is not expected to disrupt NOD2 protein function. This variant has not been reported in the literature in individuals affected with NOD2-related conditions. This variant is not present in population databases (gnomAD no frequency). This sequence change replaces glutamine, which is neutral and polar, with lysine, which is basic and polar, at codon 474 of the NOD2 protein (p.Gln474Lys).